The following is an entry in ClinVar:

ClinVar aggregate classification (germline): Uncertain significance. Review status: criteria provided, single submitter (1 of 4 stars). 2 submissions from 2 submitters: Uncertain significance (1). 1 of the submissions does not count toward it. Last evaluated 2022-02-01.

Conditions:
TREM2-related disorder. Also called: TREM2-related condition.

Submissions (2):

Labcorp Genetics (formerly Invitae), Labcorp
Classification: Uncertain significance. Last evaluated: 2022-02-01. Review status: criteria provided, single submitter. Criteria: Invitae Variant Classification Sherloc (09022015). Collection method: clinical testing. Allele origin: germline.
Comment: This sequence change replaces arginine, which is basic and polar, with leucine, which is neutral and non-polar, at codon 47 of the TREM2 protein (p.Arg47Leu). This variant is present in population databases (rs75932628, gnomAD 0.05%). This variant has not been reported in the literature in individuals affected with TREM2-related conditions. Algorithms developed to predict the effect of missense changes on protein structure and function output the following: SIFT: "Tolerated"; PolyPhen-2: "Benign"; Align-GVGD: "Class C0". The leucine amino acid residue is found in multiple mammalian species, which suggests that this missense change does not adversely affect protein function. In summary, the available evidence is currently insufficient to determine the role of this variant in disease. Therefore, it has been classified as a Variant of Uncertain Significance.

PreventionGenetics, part of Exact Sciences
Classification: Uncertain significance for TREM2-related condition. Last evaluated: 2024-09-12. Review status: no assertion criteria provided. Collection method: clinical testing. Allele origin: germline. Not counted in ClinVar's aggregate classification.
Comment: The TREM2 c.140G>T variant is predicted to result in the amino acid substitution p.Arg47Leu. To our knowledge, this variant has not been reported in the literature. This variant is reported in 0.046% of alleles in individuals of Latino descent in gnomAD. At this time, the clinical significance of this variant is uncertain due to the absence of conclusive functional and genetic evidence.

NM_018965.4(TREM2):c.140G>T (p.Arg47Leu)

Gene: TREM2 (triggering receptor expressed on myeloid cells 2; minus strand). Cytogenetic location: 6p21.1.
Variant type: single nucleotide variant.
Coding change: c.140G>T on transcript NM_018965.4 (MANE Select); coding-DNA position 140, G replaced by T.
Protein change: p.Arg47Leu; replaces arginine 47 with leucine.
Molecular consequence: missense variant.
Genome position (GRCh38, 1-based): chr6:41,161,514, C>A on the plus strand (G>T on the coding strand, the complement: TREM2 is on the minus strand). VCF-style: chr6-41161514-C-A. GRCh37 (hg19) VCF-style: chr6-41129252-C-A.
Other names: c.140G>T, p.Arg47Leu (NM_001271821.2); c.140G>T (NM_018965.3); short protein forms R47L.
Identifiers: ClinVar variation 1441047 (VCV001441047.4), dbSNP rs75932628, ClinGen allele CA3798961.